The following is an entry in ClinVar:

ClinVar aggregate classification (germline): Likely benign (1 of 4 stars; one submission).

Allele frequency attached by ClinVar (database versions not stated): gnomAD 0.00004 and 0.00006; TOPMed 0.00005.
gnomAD v4.1: 152 of 1,178,588 alleles (0.013%); highest among the groups gnomAD compares: Non-Finnish European, 0.015%; no homozygotes.

Submission:

GeneDx
Classification: Likely benign. Last evaluated: 2017-07-07. Review status: criteria provided, single submitter. Criteria: GeneDx Variant Classification (06012015). Collection method: clinical testing. Allele origin: germline. Affected: yes.
Comment: This variant is considered likely benign or benign based on one or more of the following criteria: it is a conservative change, it occurs at a poorly conserved position in the protein, it is predicted to be benign by multiple in silico algorithms, and/or has population frequency not consistent with disease.

NM_002471.4(MYH6):c.-30C>T

Genes: MYH6 (myosin heavy chain 6; minus strand), LOC114827851 (VISTA enhancer hs2155; plus strand). Cytogenetic location: 14q11.2.
Variant type: single nucleotide variant.
Coding change: c.-30C>T on transcript NM_002471.4 (MANE Select); 30 bases upstream of the start codon, C replaced by T.
Molecular consequence: 5 prime UTR variant.
Genome position (GRCh38, 1-based): chr14:23,407,592, G>A on the plus strand (C>T on the coding strand, the complement: MYH6 is on the minus strand). VCF-style: chr14-23407592-G-A. GRCh37 (hg19) VCF-style: chr14-23876801-G-A.
Identifiers: ClinVar variation 510604 (VCV000510604.1), dbSNP rs568057206, ClinGen allele CA257800819.